The following is an entry in ClinVar:

NM_012233.3(RAB3GAP1):c.1268C>G (p.Pro423Arg)

Gene: RAB3GAP1 (RAB3 GTPase activating protein catalytic subunit 1; plus strand). Cytogenetic location: 2q21.3.
Variant type: single nucleotide variant.
Coding change: c.1268C>G on transcript NM_012233.3 (MANE Select); coding-DNA position 1268, C replaced by G.
Protein change: p.Pro423Arg; replaces proline 423 with arginine.
Molecular consequence: missense variant.
Genome position (GRCh38, 1-based): chr2:135,132,926, C>G. VCF-style: chr2-135132926-C-G. GRCh37 (hg19) VCF-style: chr2-135890496-C-G.
Other names: c.1268C>G, p.Pro423Arg (NM_001172435.2); short protein forms P423R.
Identifiers: ClinVar variation 391290 (VCV000391290.17), dbSNP rs143010678, ClinGen allele CA1884799.

ClinVar aggregate classification (germline): Conflicting classifications of pathogenicity. Review status: criteria provided, conflicting classifications (1 of 4 stars). 4 submissions from 4 submitters: Uncertain significance (1); Likely benign (3). Last evaluated 2026-05-28.

Conditions:
RAB3GAP1-related disorder. Also called: RAB3GAP1-related condition; RAB3GAP1-related disorders.
Warburg micro syndrome 1 (WARBM1). Identifiers: Orphanet 2510, MedGen C1838625, MONDO:0010822, OMIM 600118.

Allele frequency attached by ClinVar (database versions not stated): TOPMed 0.00021; 1000 Genomes Project 0.00040; gnomAD exomes 0.00055; 1000 Genomes Project 30x 0.00062; ExAC 0.00064.
gnomAD v4.1: 528 of 1,583,090 alleles (0.033%); highest among the groups gnomAD compares: South Asian, 0.31%; 3 homozygotes.

Submissions (4):

PreventionGenetics, part of Exact Sciences
Classification: Likely benign for RAB3GAP1-related condition. Last evaluated: 2026-05-28. Review status: criteria provided, single submitter. Criteria: ACMG Guidelines, 2015. Collection method: clinical testing. Allele origin: germline.
Comment: This variant is classified as likely benign based on ACMG/AMP sequence variant interpretation guidelines (Richards et al. 2015 PMID: 25741868, with internal and published modifications).

Labcorp Genetics (formerly Invitae), Labcorp
Classification: Likely benign. Last evaluated: 2025-11-23. Review status: criteria provided, single submitter. Criteria: Invitae Variant Classification Sherloc (09022015). Collection method: clinical testing. Allele origin: germline.

GeneDx
Classification: Likely benign. Last evaluated: 2020-03-01. Review status: criteria provided, single submitter. Criteria: GeneDx Variant Classification Process June 2021. Collection method: clinical testing. Allele origin: germline. Affected: yes.

Illumina Laboratory Services, Illumina
Classification: Uncertain significance for Warburg micro syndrome 1. Last evaluated: 2017-04-27. Review status: criteria provided, single submitter. Criteria: ICSL Variant Classification Criteria 13 December 2019. Collection method: clinical testing. Allele origin: germline.